The following is an entry in ClinVar:

NM_000391.4(TPP1):c.408del (p.Glu137fs)

Gene: TPP1 (tripeptidyl peptidase 1; minus strand). Cytogenetic location: 11p15.4.
Variant type: Deletion.
Coding change: c.408del on transcript NM_000391.4 (MANE Select); coding-DNA position 408, one base deleted (T; older notation c.408delT).
Protein change: p.Glu137fs; shifts the reading frame from glutamic acid 137.
Molecular consequence: frameshift variant.
Genome position (GRCh38, 1-based): chr11:6,617,401, A deleted on the plus strand (T on the coding strand, the reverse complement: TPP1 is on the minus strand). VCF-style (leftmost placement, unchanged base first): chr11-6617400-CA-C. GRCh37 (hg19) VCF-style: chr11-6638631-CA-C.
Other names: short protein forms E137fs.
Identifiers: ClinVar variation 1074909 (VCV001074909.7), dbSNP rs2134595789, ClinGen allele CA2499221189.

ClinVar aggregate classification (germline): Pathogenic (1 of 4 stars; one submission).

Submission:

Labcorp Genetics (formerly Invitae), Labcorp
Classification: Pathogenic. Last evaluated: 2020-10-03. Review status: criteria provided, single submitter. Criteria: Invitae Variant Classification Sherloc (09022015). Collection method: clinical testing. Allele origin: germline.
Comment: For these reasons, this variant has been classified as Pathogenic. Loss-of-function variants in TPP1 are known to be pathogenic (PMID: 10330339). This variant has not been reported in the literature in individuals with TPP1-related conditions. This variant is not present in population databases (ExAC no frequency). This sequence change creates a premature translational stop signal (p.Glu137Serfs*15) in the TPP1 gene. It is expected to result in an absent or disrupted protein product.

Literature cited by the submitters: PubMed 10330339.